The following is an entry in ClinVar:

NM_000245.4(MET):c.126G>A (p.Gln42=)

Gene: MET (MET proto-oncogene, receptor tyrosine kinase; plus strand). Cytogenetic location: 7q31.2.
Variant type: single nucleotide variant.
Coding change: c.126G>A on transcript NM_000245.4 (MANE Select); coding-DNA position 126, G replaced by A.
Protein change: p.Gln42=; no amino-acid change (glutamine 42 retained).
Molecular consequence: synonymous variant. On other transcripts: intron variant (1).
Genome position (GRCh38, 1-based): chr7:116,699,210, G>A. VCF-style: chr7-116699210-G-A. GRCh37 (hg19) VCF-style: chr7-116339264-G-A.
Other names: c.126G>A, p.Gln42= (NM_001127500.3, NM_001324401.3); c.-91+26633G>A (NM_001324402.2).
Identifiers: ClinVar variation 3773053 (VCV003773053.3).

ClinVar aggregate classification (germline): Benign/Likely benign. Review status: criteria provided, multiple submitters, no conflicts (2 of 4 stars). 3 submissions from 3 submitters: Benign (1); Likely benign (2). Last evaluated 2025-02-18.

Conditions:
Papillary renal cell carcinoma type 1 (RCCP1). Also called: Renal adenocarcinoma; Renal cell carcinoma 1; Renal cell carcinoma, somatic; RENAL CELL CARCINOMA, PAPILLARY, 1, SOMATIC. Identifiers: Orphanet 47044, MedGen C1336839, OMIM 605074, HP:0011797.
Renal cell carcinoma. Identifiers: Orphanet 217071, MedGen C0007134, MeSH D002292, MONDO:0005086, HP:0005584.
Hereditary cancer-predisposing syndrome. Also called: Neoplastic Syndromes, Hereditary; Tumor predisposition; Hereditary Cancer Syndrome; Hereditary neoplastic syndrome. Identifiers: Orphanet 140162, MedGen C0027672, MeSH D009386, MONDO:0015356.

gnomAD v4.1: 1 of 1,613,968 alleles (0.000062%); highest among the groups gnomAD compares: East Asian, 0.0022%; no homozygotes.

Submissions (3):

Labcorp Genetics (formerly Invitae), Labcorp
Classification: Likely benign for Renal cell carcinoma. Last evaluated: 2025-02-18. Review status: criteria provided, single submitter. Criteria: Invitae Variant Classification Sherloc (09022015). Collection method: clinical testing. Allele origin: germline.

Ambry Genetics
Classification: Likely benign for Hereditary cancer-predisposing syndrome. Last evaluated: 2025-01-05. Review status: criteria provided, single submitter. Criteria: Ambry Variant Classification Scheme 2023. Collection method: clinical testing. Allele origin: germline.

Myriad Genetics, Inc.
Classification: Benign for Papillary renal cell carcinoma type 1. Last evaluated: 2024-11-06. Review status: criteria provided, single submitter. Criteria: Myriad Autosomal Dominant, Autosomal Recessive and X-Linked Classification Criteria (2023). Collection method: clinical testing. Allele origin: unknown.
Comment: This variant is considered benign. This variant is a silent/synonymous amino acid change and it is not expected to impact splicing.